The following is an entry in ClinVar:

ClinVar aggregate classification (germline): Likely benign. Review status: criteria provided, single submitter (1 of 4 stars). 2 submissions from 2 submitters: Likely benign (1). 1 of the submissions does not count toward it. Last evaluated 2024-04-26.

Conditions:
UBA5-related disorder. Also called: UBA5-related disorders; UBA5-related condition.

Allele frequency attached by ClinVar (database versions not stated): gnomAD exomes 0.00001; gnomAD 0.00003.
gnomAD v4.1: 12 of 1,337,988 alleles (0.0009%); highest among the groups gnomAD compares: African/African-American, 0.0015%; no homozygotes.

Submissions (2):

Blueprint Genetics
Classification: Likely benign. Last evaluated: 2024-04-26. Review status: criteria provided, single submitter. Criteria: ACMG Guidelines, 2015. Collection method: clinical testing. Allele origin: germline.

PreventionGenetics, part of Exact Sciences
Classification: Likely benign for UBA5-related condition. Last evaluated: 2019-05-06. Review status: no assertion criteria provided. Collection method: clinical testing. Allele origin: germline. Not counted in ClinVar's aggregate classification.
Comment: This variant is classified as likely benign based on ACMG/AMP sequence variant interpretation guidelines (Richards et al. 2015 PMID: 25741868, with internal and published modifications).

NM_024818.6(UBA5):c.161+358T>C

Genes: UBA5 (ubiquitin like modifier activating enzyme 5; plus strand), NPHP3-ACAD11 (NPHP3-ACAD11 readthrough (NMD candidate); minus strand). Cytogenetic location: 3q22.1.
Variant type: single nucleotide variant.
Coding change: c.161+358T>C on transcript NM_024818.6 (MANE Select); 358 bases into the intron after coding-DNA position 161, T replaced by C.
Molecular consequence: intron variant.
Genome position (GRCh38, 1-based): chr3:132,661,056, T>C. VCF-style: chr3-132661056-T-C. GRCh37 (hg19) VCF-style: chr3-132379900-T-C.
Other names: c.-7-4767T>C (NM_198329.4); c.-40+358T>C (NM_001321239.1); c.-8+8T>C (NM_001320210.2); c.27+8T>C (NM_001321238.2).
Identifiers: ClinVar variation 3037751 (VCV003037751.3), dbSNP rs1198287987, ClinGen allele CA546275943.